The following is an entry in ClinVar:

ClinVar aggregate classification (germline): Conflicting classifications of pathogenicity. Review status: criteria provided, conflicting classifications (1 of 4 stars). 2 submissions from 2 submitters: Likely pathogenic (1); Uncertain significance (1). Last evaluated 2022-11-15.

Conditions:
Inborn genetic diseases. Identifiers: MedGen C0950123, MeSH D030342.
Hereditary spastic paraplegia 4. Also called: Familial spastic paraplegia autosomal dominant 2; Spastic paraplegia 4, autosomal dominant; Spastic Paraplegia 4. Identifiers: Orphanet 100985, MedGen C1866855, MONDO:0008438, OMIM 182601.

Submissions (2):

Ambry Genetics
Classification: Likely pathogenic for Inborn genetic diseases. Last evaluated: 2022-11-15. Review status: criteria provided, single submitter. Criteria: Ambry Variant Classification Scheme 2023. Collection method: clinical testing. Allele origin: germline.
Comment: The c.1032A>G (p.I344M) alteration is located in exon 7 (coding exon 7) of the SPAST gene. This alteration results from an A to G substitution at nucleotide position 1032, causing the isoleucine (I) at amino acid position 344 to be replaced by a methionine (M). This variant was not reported in population-based cohorts in the Genome Aggregation Database (gnomAD). Two other alterations at the same codon, c.1031T>A (p.I344K) and c.1031T>G (p.I344R), have been described in individuals with spastic paraplegia (Ki, 2002; Parodi, 2018). This amino acid position is well conserved in available vertebrate species. This missense alteration is located in a region that has a low rate of benign missense variation (Lek, 2016; Firth, 2009). The in silico prediction for this alteration is inconclusive. Based on the available evidence, this alteration is classified as likely pathogenic.

Labcorp Genetics (formerly Invitae), Labcorp
Classification: Uncertain significance for Hereditary spastic paraplegia 4. Last evaluated: 2022-09-16. Review status: criteria provided, single submitter. Criteria: Invitae Variant Classification Sherloc (09022015). Collection method: clinical testing. Allele origin: germline.
Comment: In summary, the available evidence is currently insufficient to determine the role of this variant in disease. Therefore, it has been classified as a Variant of Uncertain Significance. This variant disrupts the p.Ile344 amino acid residue in SPAST. Other variant(s) that disrupt this residue have been determined to be pathogenic (PMID: 12202986). This suggests that this residue is clinically significant, and that variants that disrupt this residue are likely to be disease-causing. Advanced modeling of protein sequence and biophysical properties (such as structural, functional, and spatial information, amino acid conservation, physicochemical variation, residue mobility, and thermodynamic stability) has been performed at Invitae for this missense variant, however the output from this modeling did not meet the statistical confidence thresholds required to predict the impact of this variant on SPAST protein function. This variant has not been reported in the literature in individuals affected with SPAST-related conditions. This variant is not present in population databases (gnomAD no frequency). This sequence change replaces isoleucine, which is neutral and non-polar, with methionine, which is neutral and non-polar, at codon 344 of the SPAST protein (p.Ile344Met).

Literature cited by the submitters: PubMed 12202986 (cited by Ambry Genetics and Labcorp Genetics (formerly Invitae), Labcorp); PubMed 30476002 (cited by Ambry Genetics).

NM_014946.4(SPAST):c.1032A>G (p.Ile344Met)

Gene: SPAST (spastin; plus strand). Cytogenetic location: 2p22.3.
Variant type: single nucleotide variant.
Coding change: c.1032A>G on transcript NM_014946.4 (MANE Select); coding-DNA position 1032, A replaced by G.
Protein change: p.Ile344Met; replaces isoleucine 344 with methionine.
Molecular consequence: missense variant.
Genome position (GRCh38, 1-based): chr2:32,116,146, A>G. VCF-style: chr2-32116146-A-G. GRCh37 (hg19) VCF-style: chr2-32341215-A-G.
Other names: c.1029A>G, p.Ile343Met (NM_001363823.2); c.933A>G, p.Ile311Met (NM_001363875.2); c.936A>G, p.Ile312Met (NM_001377959.1, NM_199436.2); short protein forms I311M, I343M, I312M, I344M.
Identifiers: ClinVar variation 1957582 (VCV001957582.6), dbSNP rs2465839683, ClinGen allele CA346499656.